The following is an entry in ClinVar:

ClinVar aggregate classification (germline): Uncertain significance (1 of 4 stars; one submission).

Submission:

Labcorp Genetics (formerly Invitae), Labcorp
Classification: Uncertain significance. Last evaluated: 2025-01-06. Review status: criteria provided, single submitter. Criteria: Invitae Variant Classification Sherloc (09022015). Collection method: clinical testing. Allele origin: germline.
Comment: This sequence change replaces glutamine, which is neutral and polar, with histidine, which is basic and polar, at codon 28 of the DLX6 protein (p.Gln28His). The frequency data for this variant in the population databases is considered unreliable, as metrics indicate poor data quality at this position in the gnomAD database. This variant has not been reported in the literature in individuals affected with DLX6-related conditions. An algorithm developed to predict the effect of missense changes on protein structure and function (PolyPhen-2) suggests that this variant is likely to be disruptive. In summary, the available evidence is currently insufficient to determine the role of this variant in disease. Therefore, it has been classified as a Variant of Uncertain Significance.

NM_005222.4(DLX6):c.84G>T (p.Gln28His)

Genes: DLX6 (distal-less homeobox 6; plus strand), DLX6-AS1 (DLX6 antisense RNA 1; minus strand). Cytogenetic location: 7q21.3.
Variant type: single nucleotide variant.
Coding change: c.84G>T on transcript NM_005222.4 (MANE Select); coding-DNA position 84, G replaced by T.
Protein change: p.Gln28His; replaces glutamine 28 with histidine.
Molecular consequence: missense variant.
Genome position (GRCh38, 1-based): chr7:97,006,061, G>T. VCF-style: chr7-97006061-G-T. GRCh37 (hg19) VCF-style: chr7-96635373-G-T.
Other names: short protein forms Q28H.
Identifiers: ClinVar variation 3673338 (VCV003673338.2).